The following is an entry in ClinVar:

NM_001261826.3(AP3D1):c.1383G>A (p.Ala461=)

Gene: AP3D1 (adaptor related protein complex 3 subunit delta 1; minus strand). Cytogenetic location: 19p13.3.
Variant type: single nucleotide variant.
Coding change: c.1383G>A on transcript NM_001261826.3 (MANE Select); coding-DNA position 1383, G replaced by A.
Protein change: p.Ala461=; no amino-acid change (alanine 461 retained).
Molecular consequence: synonymous variant.
Genome position (GRCh38, 1-based): chr19:2,120,960, C>T on the plus strand (G>A on the coding strand, the complement: AP3D1 is on the minus strand). VCF-style: chr19-2120960-C-T. GRCh37 (hg19) VCF-style: chr19-2120959-C-T.
Other names: c.1383G>A (NM_001261826.1); c.1383G>A, p.Ala461= (NM_001374799.1, NM_003938.8).
Identifiers: ClinVar variation 1647373 (VCV001647373.10), dbSNP rs554416679, ClinGen allele CA9059330.

ClinVar aggregate classification (germline): Likely benign. Review status: criteria provided, single submitter (1 of 4 stars). 2 submissions from 2 submitters: Likely benign (1). 1 of the submissions does not count toward it. Last evaluated 2025-12-11.

Conditions:
AP3D1-related disorder. Also called: AP3D1-related condition.

gnomAD v4.1: 32 of 1,612,044 alleles (0.002%); highest among the groups gnomAD compares: South Asian, 0.013%; no homozygotes.

Submissions (2):

Labcorp Genetics (formerly Invitae), Labcorp
Classification: Likely benign. Last evaluated: 2025-12-11. Review status: criteria provided, single submitter. Criteria: Invitae Variant Classification Sherloc (09022015). Collection method: clinical testing. Allele origin: germline.

PreventionGenetics, part of Exact Sciences
Classification: Likely benign for AP3D1-related condition. Last evaluated: 2023-07-03. Review status: no assertion criteria provided. Collection method: clinical testing. Allele origin: germline. Not counted in ClinVar's aggregate classification.
Comment: This variant is classified as likely benign based on ACMG/AMP sequence variant interpretation guidelines (Richards et al. 2015 PMID: 25741868, with internal and published modifications).